The following is an entry in ClinVar:

ClinVar aggregate classification (germline): Uncertain significance. Review status: criteria provided, single submitter (1 of 4 stars). 2 submissions from 2 submitters: Uncertain significance (1). 1 of the submissions does not count toward it. Last evaluated 2015-07-06.

Conditions:
Usher syndrome type 1 (USH1). Also called: RETINITIS PIGMENTOSA AND CONGENITAL DEAFNESS. Identifiers: Orphanet 231169, Orphanet 886, MedGen C1568247, MONDO:0010168, OMIM 276900.

Allele frequency attached by ClinVar (database versions not stated): gnomAD exomes below 0.00001; ExAC 0.00001; gnomAD 0.00001.
gnomAD v4.1: 4 of 1,613,862 alleles (0.00025%); highest among the groups gnomAD compares: Non-Finnish European, 0.00025%; no homozygotes.

Submissions (2):

Laboratory for Molecular Medicine, Mass General Brigham Personalized Medicine
Classification: Uncertain significance. Last evaluated: 2015-07-06. Review status: criteria provided, single submitter. Criteria: LMM Criteria. Collection method: clinical testing. Allele origin: germline. Observed: 1 variant allele.
Comment: The p.Ile2802Val variant in CDH23 has not been previously reported in individual s with hearing loss or Usher syndrome, but has been identified in 1/6540 of Euro pean chromosomes by the Exome Aggregation Consortium (ExAC). Computational prediction tools and conservation analysis do not pro vide strong support for or against an impact to the protein. In summary, the cli nical significance of the p.Ile2802Val variant is uncertain.

Natera, Inc.
Classification: Uncertain significance for Usher syndrome type 1. Last evaluated: 2021-09-28. Review status: no assertion criteria provided. Collection method: clinical testing. Allele origin: germline. Not counted in ClinVar's aggregate classification.

NM_022124.6(CDH23):c.8404A>G (p.Ile2802Val)

Gene: CDH23 (cadherin related 23; plus strand). Cytogenetic location: 10q22.1.
Variant type: single nucleotide variant.
Coding change: c.8404A>G on transcript NM_022124.6 (MANE Select); coding-DNA position 8404, A replaced by G.
Protein change: p.Ile2802Val; replaces isoleucine 2802 with valine.
Molecular consequence: missense variant.
Genome position (GRCh38, 1-based): chr10:71,807,611, A>G. VCF-style: chr10-71807611-A-G. GRCh37 (hg19) VCF-style: chr10-73567368-A-G.
Other names: c.1684A>G, p.Ile562Val (NM_001171933.1, NM_001171934.1); short protein forms I2802V, I562V.
Identifiers: ClinVar variation 228505 (VCV000228505.5), dbSNP rs766924822, ClinGen allele CA5546645.